The following is an entry in ClinVar:

ClinVar aggregate classification (germline): Uncertain significance. Review status: criteria provided, multiple submitters, no conflicts (2 of 4 stars). 2 submissions from 2 submitters: Uncertain significance (2). Last evaluated 2025-08-29.

Conditions:
Familial thoracic aortic aneurysm and aortic dissection (TAAD). Also called: Thoracic aortic aneurysms and dissections. Identifiers: Orphanet 91387, MedGen C4707243, MONDO:0019625.
Aortic aneurysm, familial thoracic 7 (AAT7). Also called: AORTIC DISSECTION, FAMILIAL, WITH OR WITHOUT AORTIC ANEURYSM. Identifiers: MedGen C3151077, MONDO:0013418, OMIM 613780.

Allele frequency attached by ClinVar (database versions not stated): gnomAD exomes below 0.00001; ExAC 0.00001; gnomAD 0.00001; TOPMed 0.00002.
gnomAD v4.1: 5 of 1,614,052 alleles (0.00031%); highest among the groups gnomAD compares: African/African-American, 0.004%; no homozygotes.

Submissions (2):

Labcorp Genetics (formerly Invitae), Labcorp
Classification: Uncertain significance for Aortic aneurysm, familial thoracic 7. Last evaluated: 2025-08-29. Review status: criteria provided, single submitter. Criteria: Invitae Variant Classification Sherloc (09022015). Collection method: clinical testing. Allele origin: germline.
Comment: This sequence change replaces valine, which is neutral and non-polar, with isoleucine, which is neutral and non-polar, at codon 704 of the MYLK protein (p.Val704Ile). This variant is present in population databases (rs754306040, gnomAD 0.007%). This variant has not been reported in the literature in individuals affected with MYLK-related conditions. ClinVar contains an entry for this variant (Variation ID: 1786110). Invitae Evidence Modeling of protein sequence and biophysical properties (such as structural, functional, and spatial information, amino acid conservation, physicochemical variation, residue mobility, and thermodynamic stability) indicates that this missense variant is not expected to disrupt MYLK protein function with a negative predictive value of 80%. In summary, the available evidence is currently insufficient to determine the role of this variant in disease. Therefore, it has been classified as a Variant of Uncertain Significance.

Ambry Genetics
Classification: Uncertain significance for Familial thoracic aortic aneurysm and aortic dissection. Last evaluated: 2025-03-09. Review status: criteria provided, single submitter. Criteria: Ambry Variant Classification Scheme 2023. Collection method: clinical testing. Allele origin: germline.
Comment: The p.V704I variant (also known as c.2110G>A), located in coding exon 12 of the MYLK gene, results from a G to A substitution at nucleotide position 2110. The valine at codon 704 is replaced by isoleucine, an amino acid with highly similar properties. This amino acid position is conserved. In addition, this alteration is predicted to be tolerated by in silico analysis. Since supporting evidence is limited at this time, the clinical significance of this alteration remains unclear.

NM_053025.4(MYLK):c.2110G>A (p.Val704Ile)

Gene: MYLK (myosin light chain kinase; minus strand). Cytogenetic location: 3q21.1.
Variant type: single nucleotide variant.
Coding change: c.2110G>A on transcript NM_053025.4 (MANE Select); coding-DNA position 2110, G replaced by A.
Protein change: p.Val704Ile; replaces valine 704 with isoleucine.
Molecular consequence: missense variant.
Genome position (GRCh38, 1-based): chr3:123,708,728, C>T on the plus strand (G>A on the coding strand, the complement: MYLK is on the minus strand). VCF-style: chr3-123708728-C-T. GRCh37 (hg19) VCF-style: chr3-123427575-C-T.
Other names: c.1582G>A, p.Val528Ile (NM_001321309.2); c.1903G>A, p.Val635Ile (NM_053026.4, NM_053028.4); c.2110G>A, p.Val704Ile (NM_053027.4); short protein forms V528I, V704I, V635I.
Identifiers: ClinVar variation 1786110 (VCV001786110.4), dbSNP rs754306040, ClinGen allele CA068078.